The following is an entry in ClinVar:

NM_000492.4(CFTR):c.1998A>T (p.Leu666Phe)

Gene: CFTR (CF transmembrane conductance regulator; plus strand). Cytogenetic location: 7q31.2.
Variant type: single nucleotide variant.
Coding change: c.1998A>T on transcript NM_000492.4 (MANE Select); coding-DNA position 1998, A replaced by T.
Protein change: p.Leu666Phe; replaces leucine 666 with phenylalanine.
Molecular consequence: missense variant.
Genome position (GRCh38, 1-based): chr7:117,592,165, A>T. VCF-style: chr7-117592165-A-T. GRCh37 (hg19) VCF-style: chr7-117232219-A-T.
Other names: short protein forms L666F.
Identifiers: ClinVar variation 3231843 (VCV003231843.1), dbSNP rs2485109662, ClinGen allele CA368979166.

ClinVar aggregate classification (germline): Uncertain significance (1 of 4 stars; one submission).

Conditions:
Cystic fibrosis (CF). Also called: MUCOVISCIDOSIS. Identifiers: Orphanet 586, MedGen C0010674, MONDO:0009061, OMIM 219700. Disease mechanism: loss of function.

Submission:

Ambry Genetics
Classification: Uncertain significance for Cystic fibrosis. Last evaluated: 2023-12-31. Review status: criteria provided, single submitter. Criteria: Ambry Variant Classification Scheme 2023. Collection method: clinical testing. Allele origin: germline.
Comment: The p.L666F variant (also known as c.1998A>T), located in coding exon 14 of the CFTR gene, results from an A to T substitution at nucleotide position 1998. The leucine at codon 666 is replaced by phenylalanine, an amino acid with highly similar properties. This amino acid position is conserved. In addition, the in silico prediction for this alteration is inconclusive. Since supporting evidence is limited at this time, the clinical significance of this alteration remains unclear.